The following is an entry in ClinVar:

NM_000291.4(PGK1):c.253C>G (p.Leu85Val)

Gene: PGK1 (phosphoglycerate kinase 1; plus strand). Cytogenetic location: Xq21.1.
Variant type: single nucleotide variant.
Coding change: c.253C>G on transcript NM_000291.4 (MANE Select); coding-DNA position 253, C replaced by G.
Protein change: p.Leu85Val; replaces leucine 85 with valine.
Molecular consequence: missense variant.
Genome position (GRCh38, 1-based): chrX:78,113,880, C>G. VCF-style: chrX-78113880-C-G. GRCh37 (hg19) VCF-style: chrX-77369377-C-G.
Other names: short protein forms L85V.
Identifiers: ClinVar variation 3776039 (VCV003776039.1).

ClinVar aggregate classification (germline): Uncertain significance (1 of 4 stars; one submission).

Conditions:
Glycogen storage disease due to phosphoglycerate kinase 1 deficiency. Also called: PGK1 DEFICIENCY; PHOSPHOGLYCERATE KINASE 1 DEFICIENCY WITH LEVO-DOPA-RESPONSIVE PARKINSONISM. Identifiers: Orphanet 713, MedGen C1970848, MONDO:0010392, OMIM 300653.

Submission:

3billion
Classification: Uncertain significance for Glycogen storage disease due to phosphoglycerate kinase 1 deficiency. Last evaluated: 2023-12-11. Review status: criteria provided, single submitter. Criteria: ACMG Guidelines, 2015. Collection method: clinical testing. Allele origin: germline. Affected: yes.
Comment: The variant is not observed in the gnomAD v2.1.1 dataset. Predicted Consequence/Location: Missense changes are a common disease-causing mechanism. In silico tool predictions suggest damaging effect of the variant on gene or gene product [REVEL: 0.76 (>=0.6, sensitivity 0.68 and specificity 0.92)]. Therefore, this variant is classified as VUS according to the recommendation of ACMG/AMP guideline.